The following is an entry in ClinVar:

NM_006332.5(IFI30):c.724A>T (p.Ser242Cys)

Gene: IFI30 (IFI30 lysosomal thiol reductase; plus strand). Cytogenetic location: 19p13.11.
Variant type: single nucleotide variant.
Coding change: c.724A>T on transcript NM_006332.5 (MANE Select); coding-DNA position 724, A replaced by T.
Protein change: p.Ser242Cys; replaces serine 242 with cysteine.
Molecular consequence: missense variant.
Genome position (GRCh38, 1-based): chr19:18,177,882, A>T. VCF-style: chr19-18177882-A-T. GRCh37 (hg19) VCF-style: chr19-18288692-A-T.
Other names: short protein forms S242C.
Identifiers: ClinVar variation 1711476 (VCV001711476.30), dbSNP rs1430691491, ClinGen allele CA404826342.

ClinVar aggregate classification (germline): Likely benign (1 of 4 stars; one submission).

Submission:

CeGaT Center for Human Genetics Tuebingen
Classification: Likely benign. Last evaluated: 2022-09-01. Review status: criteria provided, single submitter. Criteria: CeGaT Center For Human Genetics Tuebingen Variant Classification Criteria Version 2. Collection method: clinical testing. Allele origin: germline. Affected: yes. Observed: 1 variant allele.
Comment: IFI30: BP4